The following is an entry in ClinVar:

ClinVar aggregate classification (germline): Uncertain significance. Review status: criteria provided, multiple submitters, no conflicts (2 of 4 stars). 2 submissions from 2 submitters: Uncertain significance (2). Last evaluated 2025-05-08.

Conditions:
Tuberous sclerosis 2 (TSC2). Identifiers: Orphanet 805, MedGen C1860707, MONDO:0013199, OMIM 613254.

gnomAD v4.1: 1 of 1,614,006 alleles (0.000062%); highest among the groups gnomAD compares: Non-Finnish European, 0.000085%; no homozygotes.

Submissions (2):

GeneDx
Classification: Uncertain significance. Last evaluated: 2025-05-08. Review status: criteria provided, single submitter. Criteria: GeneDx Variant Classification Process June 2021. Collection method: clinical testing. Allele origin: germline. Affected: yes.
Comment: Not observed at significant frequency in large population cohorts (gnomAD); In silico analysis supports that this missense variant has a deleterious effect on protein structure/function; Has not been previously published as pathogenic or benign to our knowledge

Labcorp Genetics (formerly Invitae), Labcorp
Classification: Uncertain significance for Tuberous sclerosis 2. Last evaluated: 2021-01-28. Review status: criteria provided, single submitter. Criteria: Invitae Variant Classification Sherloc (09022015). Collection method: clinical testing. Allele origin: germline.
Comment: This sequence change replaces glycine with valine at codon 20 of the TSC2 protein (p.Gly20Val). The glycine residue is highly conserved and there is a moderate physicochemical difference between glycine and valine. This variant is not present in population databases (ExAC no frequency). This variant has not been reported in the literature in individuals with TSC2-related conditions. Advanced modeling of protein sequence and biophysical properties (such as structural, functional, and spatial information, amino acid conservation, physicochemical variation, residue mobility, and thermodynamic stability) performed at Invitae indicates that this missense variant is not expected to disrupt TSC2 protein function. Algorithms developed to predict the effect of sequence changes on RNA splicing suggest that this variant may create or strengthen a splice site, but this prediction has not been confirmed by published transcriptional studies. In summary, the available evidence is currently insufficient to determine the role of this variant in disease. Therefore, it has been classified as a Variant of Uncertain Significance.

NM_000548.5(TSC2):c.59G>T (p.Gly20Val)

Gene: TSC2 (TSC complex subunit 2; plus strand). Cytogenetic location: 16p13.3.
Variant type: single nucleotide variant.
Coding change: c.59G>T on transcript NM_000548.5 (MANE Select); coding-DNA position 59, G replaced by T.
Protein change: p.Gly20Val; replaces glycine 20 with valine.
Molecular consequence: missense variant. On other transcripts: 5 prime UTR variant (1), intron variant (1).
Genome position (GRCh38, 1-based): chr16:2,048,674, G>T. VCF-style: chr16-2048674-G-T. GRCh37 (hg19) VCF-style: chr16-2098675-G-T.
Other names: c.59G>T (NM_000548.3); c.59G>T, p.Gly20Val (NM_001077183.3, NM_001114382.3, NM_001318827.2 and 4 more transcripts); c.-168G>T (NM_001318831.2); c.92G>T, p.Gly31Val (NM_001318832.2); c.-10+609G>T (NM_001318829.2); short protein forms G20V, G31V.
Identifiers: ClinVar variation 1367292 (VCV001367292.9), dbSNP rs2150971313, ClinGen allele CA394301139.